The following is an entry in ClinVar:

GRCh37/hg19 8p23.1(chr8:8093169-11272546)x1

Genes: MIR124-1 (microRNA 124-1), MSRA (methionine sulfoxide reductase A), MTMR9 (myotubularin related protein 9), PINX1 (PIN2 (TERF1) interacting telomerase inhibitor 1), RP1L1 (RP1 like 1) and 11 more. Cytogenetic location: 8p23.1.
Variant type: copy number loss.
Change: copy number 1 (one copy instead of two) of chr8:8,093,169-11,272,546 (3.18 Mb, GRCh37 coordinates, 1-based), cytogenetic band 8p23.1.
Identifiers: ClinVar variation 815087 (VCV000815087.3).

ClinVar aggregate classification (germline): Pathogenic (1 of 4 stars; one submission).

Submission:

Quest Diagnostics Nichols Institute San Juan Capistrano
Classification: Pathogenic. Last evaluated: 2023-05-10. Review status: criteria provided, single submitter. Criteria: ACMG/ClinGen CNV Guidelines, 2019. Collection method: clinical testing. Allele origin: unknown.
Comment: The copy number loss of 8p23.1 involves multiple genes, including GATA4 (OMIM 600576). Terminal deletions of 8p have been reported in patients with variable phenotypes (Burnside RD, et al., Am J Med Genet A. 2013 Apr;161A(4):822-8. PMID: 23495222; de Vries, et al., Am J Med Genet. 2001 Apr 1;99(4):314-9. PMID: 11251999). This deletion is consistent with 8p23.1 microdeletion syndrome (Arghir et al., Clin Case Rep. 2020 Nov 12;9(1):314-321. PMID: 33505690, Cosemans et al., Neurogenetics. 2021 Jul;22(3):207-213. PMID: 33683518, Kessi et al., Front Neurol. 2018 Nov 19;9:947. PMID: 30510536). Haploinsufficiency of GATA4 is associated with autosomal dominant atrial septal defect-2 (OMIM 607941, Wat, et al., Am J Med Genet A. 2009 Aug;149A(8):1661-77. PMID: 19606479. Shimokawa, et al., Am J Med Genet A. 2005;136;49-51. PMID: 15937941). Thus, this copy number variant (CNV) is classified as pathogenic.